The following is an entry in ClinVar:

ClinVar aggregate classification (germline): Likely benign (1 of 4 stars; one submission).

Conditions:
Cardiac arrhythmia. Also called: Arrhythmia; Cardiac rhythm disease. Identifiers: MedGen C0003811, MONDO:0007263, HP:0011675.

Allele frequency attached by ClinVar (database versions not stated): TOPMed below 0.00001.

Submissions (2):

Women's Health and Genetics/Laboratory Corporation of America, LabCorp
Classification: Likely benign for Arrhythmia. Last evaluated: 2011-08-18. Review status: criteria provided, single submitter. Criteria: LabCorp Variant Classification Summary - May 2015. Collection method: curation. Allele origin: germline. Inheritance: autosomal unknown. Affected: yes.
ClinVar note: Converted during submission from likely benign to Likely benign.

Roden Lab, Vanderbilt University Medical Center
No classification provided (evidence only). Condition: Long QT syndrome 5. Review status: no classification provided. Collection method: in vitro. Allele origin: not applicable. Functional consequence: Effect on ion channel function. Not counted in ClinVar's aggregate classification.
ClinVar note: "not provided" was previously submitted as the classification for the variant. However, the classification appeared to be based only on an observation of functional data so it was converted to no classification on 2025-07-30.

NM_000219.6(KCNE1):c.30G>T (p.Thr10=)

Gene: KCNE1 (potassium voltage-gated channel subfamily E regulatory subunit 1; minus strand). Cytogenetic location: 21q22.12.
Variant type: single nucleotide variant.
Coding change: c.30G>T on transcript NM_000219.6 (MANE Select); coding-DNA position 30, G replaced by T.
Protein change: p.Thr10=; no amino-acid change (threonine 10 retained).
Molecular consequence: synonymous variant.
Genome position (GRCh38, 1-based): chr21:34,449,605, C>A on the plus strand (G>T on the coding strand, the complement: KCNE1 is on the minus strand). VCF-style: chr21-34449605-C-A. GRCh37 (hg19) VCF-style: chr21-35821903-C-A.
Other names: c.30G>T, p.Thr10= (NM_001127668.4, NM_001127669.4, NM_001127670.4 and 4 more transcripts).
Identifiers: ClinVar variation 36427 (VCV000036427.7), dbSNP rs187686559, ClinGen allele CA214097.
Genomic context (GRCh38, chr21:34,449,605, plus strand): 5'-CAGGCCCGACATGTTGCCACCCTGCTGAACTGTCTCCTGCCACAGCTTGGTCAGAAAGGG[C>A]GTCACCGCTGTGGTGTTAGACAGGATCATCCTGGGCATTAAGGTTCCACTGCTGCAGCTC-3'
Protein context (NP_000210.2, residues 1-20): MILSNTTAV[Thr10=]PFLTKLWQET